The following is an entry in ClinVar:

NM_002230.4(JUP):c.892G>A (p.Gly298Ser)

Gene: JUP (junction plakoglobin; minus strand). Cytogenetic location: 17q21.2.
Variant type: single nucleotide variant.
Coding change: c.892G>A on transcript NM_002230.4 (MANE Select); coding-DNA position 892, G replaced by A.
Protein change: p.Gly298Ser; replaces glycine 298 with serine.
Molecular consequence: missense variant.
Genome position (GRCh38, 1-based): chr17:41,767,396, C>T on the plus strand (G>A on the coding strand, the complement: JUP is on the minus strand). VCF-style: chr17-41767396-C-T. GRCh37 (hg19) VCF-style: chr17-39923648-C-T.
Other names: p.G298S:GGC>AGC; c.892G>A, p.Gly298Ser (NM_001352773.2, NM_001352774.2, NM_001352775.2 and 3 more transcripts); short protein forms G298S.
Identifiers: ClinVar variation 201819 (VCV000201819.20), dbSNP rs199597864, ClinGen allele CA308501.

ClinVar aggregate classification (germline): Conflicting classifications of pathogenicity. Review status: criteria provided, conflicting classifications (1 of 4 stars). 9 submissions from 9 submitters: Uncertain significance (6); Likely benign (1). 2 of the submissions do not count toward it. Last evaluated 2026-02-16.

Conditions:
Cardiovascular phenotype. Identifiers: MedGen CN230736.
Arrhythmogenic right ventricular dysplasia 12. Also called: ARRHYTHMOGENIC RIGHT VENTRICULAR DYSPLASIA, FAMILIAL, 12. Identifiers: MedGen C1969081, MONDO:0012684, OMIM 611528.
Naxos disease (NXD). Also called: WOOLLY HAIR, PALMOPLANTAR KERATODERMA, AND CARDIAC ABNORMALITIES; KERATOSIS PALMOPLANTARIS WITH ARRHYTHMOGENIC CARDIOMYOPATHY; MAL DE NAXOS; PALMOPLANTAR KERATODERMA WITH ARRHYTHMOGENIC RIGHT VENTRICULAR CARDIOMYOPATHY AND WOOLLY HAIR; CARDIOMYOPATHY, ARRHYTHMOGENIC RIGHT VENTRICULAR, WITH SKIN, HAIR, AND NAIL ABNORMALITIES. Identifiers: Orphanet 34217, MedGen C1832600, MONDO:0011017, OMIM 601214.

Allele frequency attached by ClinVar (database versions not stated): ExAC 0.00007; gnomAD 0.00009; TOPMed 0.00010; gnomAD exomes 0.00013 and 0.00016; ESP Exome Variant Server 0.00015; 1000 Genomes Project 0.00040; 1000 Genomes Project 30x 0.00047.
gnomAD v4.1: 198 of 1,614,154 alleles (0.012%); highest among the groups gnomAD compares: Non-Finnish European, 0.014%; no homozygotes.

Submissions (9):

Women's Health and Genetics/Laboratory Corporation of America, LabCorp
Classification: Uncertain significance. Last evaluated: 2026-02-16. Review status: criteria provided, single submitter. Criteria: LabCorp Variant Classification Summary - May 2015. Collection method: clinical testing. Allele origin: germline.
Comment: Variant summary: JUP c.892G>A (p.Gly298Ser) results in a non-conservative amino acid change in the encoded protein sequence. Algorithms developed to predict the effect of missense changes on protein structure and function are either unavailable or do not agree on the potential impact of this missense change. The variant allele was found at a frequency of 0.00016 in 251328 control chromosomes. The observed variant frequency exceeds the estimated maximal expected allele frequency for disease-causing variants in JUP. To our knowledge, no occurrence of c.892G>A in individuals affected with JUP-related conditions and no experimental evidence demonstrating its impact on protein function have been reported. ClinVar contains an entry for this variant (Variation ID: 201819). Based on the evidence outlined above, the variant was classified as VUS-possibly benign.

Labcorp Genetics (formerly Invitae), Labcorp
Classification: Uncertain significance for Arrhythmogenic right ventricular dysplasia 12; Naxos disease. Last evaluated: 2025-01-28. Review status: criteria provided, single submitter. Criteria: Invitae Variant Classification Sherloc (09022015). Collection method: clinical testing. Allele origin: germline.
Comment: This sequence change replaces glycine, which is neutral and non-polar, with serine, which is neutral and polar, at codon 298 of the JUP protein (p.Gly298Ser). This variant is present in population databases (rs199597864, gnomAD 0.07%). This variant has not been reported in the literature in individuals affected with JUP-related conditions. ClinVar contains an entry for this variant (Variation ID: 201819). An algorithm developed to predict the effect of missense changes on protein structure and function (PolyPhen-2) suggests that this variant is likely to be disruptive. In summary, the available evidence is currently insufficient to determine the role of this variant in disease. Therefore, it has been classified as a Variant of Uncertain Significance.

Blueprint Genetics
Classification: Uncertain significance. Last evaluated: 2024-10-29. Review status: criteria provided, single submitter. Criteria: ACMG Guidelines, 2015. Collection method: clinical testing. Allele origin: germline.

GeneDx
Classification: Uncertain significance. Last evaluated: 2024-10-28. Review status: criteria provided, single submitter. Criteria: GeneDx Variant Classification Process June 2021. Collection method: clinical testing. Allele origin: germline. Affected: yes.
Comment: In silico analysis supports that this missense variant has a deleterious effect on protein structure/function; This variant is associated with the following publications: (PMID: BalakrishnanID2024[Article])

Ambry Genetics
Classification: Likely benign for Cardiovascular phenotype. Last evaluated: 2023-07-26. Review status: criteria provided, single submitter. Criteria: Ambry Variant Classification Scheme 2023. Collection method: clinical testing. Allele origin: germline.

Clinical Genomics Laboratory, Stanford Medicine
Classification: Uncertain significance for Arrhythmogenic right ventricular dysplasia 12; Naxos disease. Last evaluated: 2022-04-11. Review status: criteria provided, single submitter. Criteria: ACMG Guidelines, 2015. Collection method: clinical testing. Allele origin: germline. Observed: 1 variant allele, 1 heterozygote.
Comment: The p.Gly298Ser variant in the JUP gene has not been previously reported in association with disease. This variant has been identified in 19/25,072 European Finnish chromosomes (41/282,704 chromosomes overall) by the Genome Aggregation Database. This frequency is higher than expected for a pathogenic variant. The glycine at position 298 is evolutionarily conserved. Computational tools do not predict that the p.Gly298Ser variant is deleterious; however, the accuracy of in silico algorithms is limited. These data were assessed using the ACMG/AMP variant interpretation guidelines. In summary, the significance of the p.Gly298Ser variant is uncertain. Additional information is needed to resolve the significance of this variant. [ACMG evidence codes used: BS1_Supporting]

Breakthrough Genomics
Classification: Uncertain significance. Review status: criteria provided, single submitter. Criteria: ACMG Guidelines, 2015. Collection method: not provided. Allele origin: germline. Inheritance: Autosomal recessive inheritance. Affected: yes.

Diagnostic Laboratory, Department of Genetics, University Medical Center Groningen
Classification: Uncertain significance. Review status: no assertion criteria provided. Collection method: clinical testing. Allele origin: germline. Affected: yes. Study: VKGL Data-share Consensus. Not counted in ClinVar's aggregate classification.

Joint Genome Diagnostic Labs from Nijmegen and Maastricht, Radboudumc and MUMC+
Classification: Uncertain significance. Review status: no assertion criteria provided. Collection method: clinical testing. Allele origin: germline. Affected: yes. Study: VKGL Data-share Consensus. Not counted in ClinVar's aggregate classification.